The following is an entry in ClinVar:

ClinVar aggregate classification (germline): Uncertain significance (1 of 4 stars; one submission).

Submission:

Labcorp Genetics (formerly Invitae), Labcorp
Classification: Uncertain significance. Last evaluated: 2022-08-16. Review status: criteria provided, single submitter. Criteria: Invitae Variant Classification Sherloc (09022015). Collection method: clinical testing. Allele origin: germline.
Comment: In summary, the available evidence is currently insufficient to determine the role of this variant in disease. Therefore, it has been classified as a Variant of Uncertain Significance. Algorithms developed to predict the effect of missense changes on protein structure and function (SIFT, PolyPhen-2, Align-GVGD) all suggest that this variant is likely to be tolerated. ClinVar contains an entry for this variant (Variation ID: 1398657). This variant has not been reported in the literature in individuals affected with DEAF1-related conditions. This variant is not present in population databases (gnomAD no frequency). This sequence change replaces valine, which is neutral and non-polar, with leucine, which is neutral and non-polar, at codon 106 of the DEAF1 protein (p.Val106Leu).

NM_021008.4(DEAF1):c.316G>T (p.Val106Leu)

Gene: DEAF1 (DEAF1 transcription factor; minus strand). Cytogenetic location: 11p15.5.
Variant type: single nucleotide variant.
Coding change: c.316G>T on transcript NM_021008.4 (MANE Select); coding-DNA position 316, G replaced by T.
Protein change: p.Val106Leu; replaces valine 106 with leucine.
Molecular consequence: missense variant. On other transcripts: 5 prime UTR variant (1).
Genome position (GRCh38, 1-based): chr11:691,572, C>A on the plus strand (G>T on the coding strand, the complement: DEAF1 is on the minus strand). VCF-style: chr11-691572-C-A. GRCh37 (hg19) VCF-style: chr11-691572-C-A.
Other names: c.316G>T, p.Val106Leu (NM_001293634.2); c.-411G>T (NM_001367390.1); short protein forms V106L.
Identifiers: ClinVar variation 1398657 (VCV001398657.8), dbSNP rs143376874, ClinGen allele CA378937999.